The following is an entry in ClinVar:

ClinVar aggregate classification (germline): Benign/Likely benign. Review status: criteria provided, multiple submitters, no conflicts (2 of 4 stars). 10 submissions from 7 submitters: Benign (5); Likely benign (4). 1 of the submissions does not count toward it. Last evaluated 2026-09-01.

Conditions:
Cardiovascular phenotype. Identifiers: MedGen CN230736.
TTN-related disorder. Also called: TTN-related disorders; TTN-related condition; TTN-related disease.
Dilated cardiomyopathy 1G (CMD1G). Identifiers: Orphanet 154, MedGen C1858763, MONDO:0011400, OMIM 604145.
Autosomal recessive limb-girdle muscular dystrophy type 2J (LGMDR10). Also called: Limb-girdle muscular dystrophy, type 2J; MUSCULAR DYSTROPHY, LIMB-GIRDLE, AUTOSOMAL RECESSIVE 10. Identifiers: Orphanet 140922, MedGen C1837342, MONDO:0012127, OMIM 608807.
Myopathy, myofibrillar, 9, with early respiratory failure (MFM9). Also called: EDSTROM MYOPATHY; MYOPATHY, PROXIMAL, WITH EARLY RESPIRATORY MUSCLE INVOLVEMENT; Hereditary myopathy with early respiratory failure; Myopathy, distal, with early respiratory failure, autosomal dominant. Identifiers: Orphanet 178464, Orphanet 34521, MedGen C1863599, MONDO:0011362, OMIM 603689.
Early-onset myopathy with fatal cardiomyopathy (CMYO5). Also called: CONGENITAL MYOPATHY 5 WITH CARDIOMYOPATHY; Salih Myopathy. Identifiers: Orphanet 289377, MedGen C2673677, MONDO:0012714, OMIM 611705. Disease mechanism: loss of function.
Tibial muscular dystrophy (TMD). Also called: Udd Distal Myopathy – Tibial Muscular Dystrophy; Tibial muscular dystrophy, tardive; UDD MYOPATHY. Identifiers: Orphanet 609, MedGen C1838244, MONDO:0010870, OMIM 600334.

Allele frequency attached by ClinVar (database versions not stated): gnomAD 0.00005 and 0.00006; gnomAD exomes 0.00007 and 0.00037; TOPMed 0.00014; 1000 Genomes Project 30x 0.00016; 1000 Genomes Project 0.00020; ExAC 0.00037.
gnomAD v4.1: 107 of 1,613,904 alleles (0.0066%); highest among the groups gnomAD compares: Admixed American, 0.17%; no homozygotes.

Submissions (10):

CeGaT Center for Human Genetics Tuebingen
Classification: Likely benign. Last evaluated: 2026-09-01. Review status: criteria provided, single submitter. Criteria: CeGaT Center For Human Genetics Tuebingen Variant Classification Criteria Version 2. Collection method: clinical testing. Allele origin: germline. Affected: yes. Observed: 6 variant alleles.
Comment: TTN: BP4, BP7

Labcorp Genetics (formerly Invitae), Labcorp
Classification: Benign for Dilated cardiomyopathy 1G; Autosomal recessive limb-girdle muscular dystrophy type 2J. Last evaluated: 2026-01-26. Review status: criteria provided, single submitter. Criteria: Invitae Variant Classification Sherloc (09022015). Collection method: clinical testing. Allele origin: germline.

GeneDx
Classification: Likely benign. Last evaluated: 2021-12-01. Review status: criteria provided, single submitter. Criteria: GeneDx Variant Classification Process June 2021. Collection method: clinical testing. Allele origin: germline. Affected: yes.

Genome-Nilou Lab
Classification: Benign for Autosomal recessive limb-girdle muscular dystrophy type 2J. Last evaluated: 2021-09-10. Review status: criteria provided, single submitter. Criteria: ACMG Guidelines, 2015. Collection method: clinical testing. Allele origin: germline. Affected: no.

Genome-Nilou Lab
Classification: Benign for Myopathy, myofibrillar, 9, with early respiratory failure. Last evaluated: 2021-09-10. Review status: criteria provided, single submitter. Criteria: ACMG Guidelines, 2015. Collection method: clinical testing. Allele origin: germline. Affected: no.

Genome-Nilou Lab
Classification: Benign for Early-onset myopathy with fatal cardiomyopathy. Last evaluated: 2021-09-10. Review status: criteria provided, single submitter. Criteria: ACMG Guidelines, 2015. Collection method: clinical testing. Allele origin: germline. Affected: no.

Genome-Nilou Lab
Classification: Benign for Tibial muscular dystrophy. Last evaluated: 2021-09-10. Review status: criteria provided, single submitter. Criteria: ACMG Guidelines, 2015. Collection method: clinical testing. Allele origin: germline. Affected: no.

Ambry Genetics
Classification: Likely benign for Cardiovascular phenotype. Last evaluated: 2019-11-08. Review status: criteria provided, single submitter. Criteria: Ambry Variant Classification Scheme 2023. Collection method: clinical testing. Allele origin: germline.

Eurofins Ntd Llc (ga)
Classification: Likely benign. Last evaluated: 2018-01-25. Review status: criteria provided, single submitter. Criteria: EGL Classification Definitions 2015. Collection method: clinical testing. Allele origin: germline. Observed: 2 variant alleles, 2 heterozygotes.

PreventionGenetics, part of Exact Sciences
Classification: Likely benign for TTN-related condition. Last evaluated: 2020-06-29. Review status: no assertion criteria provided. Collection method: clinical testing. Allele origin: germline. Not counted in ClinVar's aggregate classification.
Comment: This variant is classified as likely benign based on ACMG/AMP sequence variant interpretation guidelines (Richards et al. 2015 PMID: 25741868, with internal and published modifications).

NM_001267550.2(TTN):c.11811T>C (p.Pro3937=)

Gene: TTN (titin; minus strand). Cytogenetic location: 2q31.2.
Variant type: single nucleotide variant.
Coding change: c.11811T>C on transcript NM_001267550.2 (MANE Select); coding-DNA position 11811, T replaced by C.
Protein change: p.Pro3937=; no amino-acid change (proline 3937 retained).
Molecular consequence: synonymous variant. On other transcripts: intron variant (1).
Genome position (GRCh38, 1-based): chr2:178,741,422, A>G on the plus strand (T>C on the coding strand, the complement: TTN is on the minus strand). VCF-style: chr2-178741422-A-G. GRCh37 (hg19) VCF-style: chr2-179606149-A-G.
Other names: c.10860T>C, p.Pro3620= (NM_001256850.1); c.10722T>C, p.Pro3574= (NM_003319.4); c.11097T>C, p.Pro3699= (NM_133432.3); c.11298T>C, p.Pro3766= (NM_133437.4); c.10361-3062T>C (NM_133378.4); c.11811T>C (NM_001267550.1).
Identifiers: ClinVar variation 466790 (VCV000466790.26), dbSNP rs571602215, ClinGen allele CA2002801.
Genomic context (GRCh38, chr2:178,741,422, plus strand): 5'-AAAGATGGCAGGAAGCCCTTGAGCACAGCGAATTGGTTTTAACTCCTTAAGGAAGTGAGG[A>G]GGACAAGGACCTCCCAGCTTTTCCAGAGATTTTGCCACTGCTGATTCTGTTTCAGTGTCT-3'
Protein context (NP_001254479.2, residues 3927-3947): KSLEKLGGPC[Pro3937=]PHFLKELKPI